The following is an entry in ClinVar:

NM_007325.5(GRIA3):c.1142A>T (p.Tyr381Phe)

Gene: GRIA3 (glutamate ionotropic receptor AMPA type subunit 3; plus strand). Cytogenetic location: Xq25.
Variant type: single nucleotide variant.
Coding change: c.1142A>T on transcript NM_007325.5 (MANE Select); coding-DNA position 1142, A replaced by T.
Protein change: p.Tyr381Phe; replaces tyrosine 381 with phenylalanine.
Molecular consequence: missense variant.
Genome position (GRCh38, 1-based): chrX:123,403,055, A>T. VCF-style: chrX-123403055-A-T. GRCh37 (hg19) VCF-style: chrX-122536906-A-T.
Other names: c.1142A>T, p.Tyr381Phe (NM_000828.5); short protein forms Y381F.
Identifiers: ClinVar variation 1718604 (VCV001718604.5), dbSNP rs2521166926, ClinGen allele CA414258512.

ClinVar aggregate classification (germline): Uncertain significance (1 of 4 stars; one submission).

Submission:

Labcorp Genetics (formerly Invitae), Labcorp
Classification: Uncertain significance. Last evaluated: 2022-09-01. Review status: criteria provided, single submitter. Criteria: Invitae Variant Classification Sherloc (09022015). Collection method: clinical testing. Allele origin: germline.
Comment: Algorithms developed to predict the effect of missense changes on protein structure and function are either unavailable or do not agree on the potential impact of this missense change (SIFT: "Deleterious"; PolyPhen-2: "Probably Damaging"; Align-GVGD: "Class C0"). In summary, the available evidence is currently insufficient to determine the role of this variant in disease. Therefore, it has been classified as a Variant of Uncertain Significance. This variant has not been reported in the literature in individuals affected with GRIA3-related conditions. This variant is not present in population databases (gnomAD no frequency). This sequence change replaces tyrosine, which is neutral and polar, with phenylalanine, which is neutral and non-polar, at codon 381 of the GRIA3 protein (p.Tyr381Phe).